The following is an entry in ClinVar:

ClinVar aggregate classification (germline): Uncertain significance (1 of 4 stars; one submission).

Conditions:
Inborn genetic diseases. Identifiers: MedGen C0950123, MeSH D030342.

gnomAD v4.1: 3 of 1,518,958 alleles (0.0002%); highest among the groups gnomAD compares: Non-Finnish European, 0.00018%; no homozygotes.

Submission:

Ambry Genetics
Classification: Uncertain significance for Inborn genetic diseases. Last evaluated: 2025-03-22. Review status: criteria provided, single submitter. Criteria: Ambry Variant Classification Scheme 2023. Collection method: clinical testing. Allele origin: germline.
Comment: The p.F75L variant (also known as c.223T>C), located in coding exon 1 of the SH2B3 gene, results from a T to C substitution at nucleotide position 223. The phenylalanine at codon 75 is replaced by leucine, an amino acid with highly similar properties. This amino acid position is conserved. In addition, the in silico prediction for this alteration is inconclusive. Based on the available evidence, the clinical significance of this variant remains unclear.

NM_005475.3(SH2B3):c.223T>C (p.Phe75Leu)

Gene: SH2B3 (SH2B adaptor protein 3; plus strand). Cytogenetic location: 12q24.12.
Variant type: single nucleotide variant.
Coding change: c.223T>C on transcript NM_005475.3 (MANE Select); coding-DNA position 223, T replaced by C.
Protein change: p.Phe75Leu; replaces phenylalanine 75 with leucine.
Molecular consequence: missense variant.
Genome position (GRCh38, 1-based): chr12:111,418,368, T>C. VCF-style: chr12-111418368-T-C. GRCh37 (hg19) VCF-style: chr12-111856172-T-C.
Other names: short protein forms F75L.
Identifiers: ClinVar variation 3953368 (VCV003953368.1).
Genomic context (GRCh38, chr12:111,418,368, plus strand): 5'-CACGCGCCGCTGCGCGCCGAGCTGGTGTCGCTGCAGTTCACCGACCTCTTCCAGCGCTAC[T>C]TCTGCCGCGAGGTGCGCGACGGACGGGCGCCGGGCCGCGACTACCGGGACACAGGCCGTG-3'
Protein context (NP_005466.1, residues 65-85): LQFTDLFQRY[Phe75Leu]CREVRDGRAP